The following is an entry in ClinVar:

NC_000016.9:g.(?_53691355)_(53692800_?)del

Gene: RPGRIP1L (RPGRIP1 like; minus strand). Cytogenetic location: 16q12.2.
Variant type: Deletion.
Identifiers: ClinVar variation 2426116 (VCV002426116.6).

ClinVar aggregate classification (germline): Pathogenic (1 of 4 stars; one submission).

Conditions:
Joubert syndrome. Also called: CEREBELLOPARENCHYMAL DISORDER IV; JOUBERT-BOLTSHAUSER SYNDROME; Familial aplasia of the vermis. Identifiers: Orphanet 475, MedGen C5979921, MONDO:0018772.
Meckel-Gruber syndrome. Also called: DYSENCEPHALIA SPLANCHNOCYSTICA; GRUBER SYNDROME; Dysencephalia splachnocystica. Identifiers: Orphanet 564, MedGen C0265215, MONDO:0018921.

Submission:

Labcorp Genetics (formerly Invitae), Labcorp
Classification: Pathogenic for Joubert syndrome; Meckel-Gruber syndrome. Last evaluated: 2023-09-21. Review status: criteria provided, single submitter. Criteria: Invitae Variant Classification Sherloc (09022015). Collection method: clinical testing. Allele origin: germline.
Comment: For these reasons, this variant has been classified as Pathogenic. This variant has not been reported in the literature in individuals affected with RPGRIP1L-related conditions. This variant is a gross deletion of the genomic region encompassing exon(s) 11-13 of the RPGRIP1L gene. This deletion is out-of-frame, and is expected to create a premature termination codon and result in an absent or disrupted protein product. Loss-of-function variants in RPGRIP1L are known to be pathogenic (PMID: 17558409).

Literature cited by the submitters: PubMed 17558409.